The following is an entry in ClinVar:

NM_017775.4(TTC19):c.146C>T (p.Pro49Leu)

Genes: TTC19 (tetratricopeptide repeat domain 19; plus strand), LOC130060311 (ATAC-STARR-seq lymphoblastoid silent region 8214; plus strand). Cytogenetic location: 17p12.
Variant type: single nucleotide variant.
Coding change: c.146C>T on transcript NM_017775.4 (MANE Select); coding-DNA position 146, C replaced by T.
Protein change: p.Pro49Leu; replaces proline 49 with leucine.
Molecular consequence: missense variant. On other transcripts: 5 prime UTR variant (1).
Genome position (GRCh38, 1-based): chr17:15,999,994, C>T. VCF-style: chr17-15999994-C-T. GRCh37 (hg19) VCF-style: chr17-15903308-C-T.
Other names: c.-313C>T (NM_001271420.2); short protein forms P49L.
Identifiers: ClinVar variation 321941 (VCV000321941.16), dbSNP rs537063695, ClinGen allele CA8407243.

ClinVar aggregate classification (germline): Conflicting classifications of pathogenicity. Review status: criteria provided, conflicting classifications (1 of 4 stars). 6 submissions from 6 submitters: Uncertain significance (3); Likely benign (1). 2 of the submissions do not count toward it. Last evaluated 2025-06-20.

Conditions:
Mitochondrial complex III deficiency nuclear type 2. Identifiers: MedGen C3554605, MONDO:0014063, OMIM 615157.
TTC19-related disorder. Also called: TTC19-related condition.

Allele frequency attached by ClinVar (database versions not stated): gnomAD exomes 0.00014 and 0.00038; 1000 Genomes Project 0.00100; ExAC below 0.00001; TOPMed 0.00127; gnomAD 0.00129 and 0.00141; 1000 Genomes Project 30x 0.00141.

Submissions (6):

Labcorp Genetics (formerly Invitae), Labcorp
Classification: Uncertain significance. Last evaluated: 2025-06-20. Review status: criteria provided, single submitter. Criteria: Invitae Variant Classification Sherloc (09022015). Collection method: clinical testing. Allele origin: germline.
Comment: This sequence change replaces proline, which is neutral and non-polar, with leucine, which is neutral and non-polar, at codon 49 of the TTC19 protein (p.Pro49Leu). The frequency data for this variant in the population databases is considered unreliable, as metrics indicate poor data quality at this position in the gnomAD database. This variant has not been reported in the literature in individuals affected with TTC19-related conditions. ClinVar contains an entry for this variant (Variation ID: 321941). An algorithm developed to predict the effect of missense changes on protein structure and function (PolyPhen-2) suggests that this variant is likely to be tolerated. In summary, the available evidence is currently insufficient to determine the role of this variant in disease. Therefore, it has been classified as a Variant of Uncertain Significance.

GeneDx
Classification: Likely benign. Last evaluated: 2020-07-10. Review status: criteria provided, single submitter. Criteria: GeneDx Variant Classification Process June 2021. Collection method: clinical testing. Allele origin: germline. Affected: yes.

Illumina Laboratory Services, Illumina
Classification: Uncertain significance for Mitochondrial complex III deficiency nuclear type 2. Last evaluated: 2018-01-13. Review status: criteria provided, single submitter. Criteria: ICSL Variant Classification Criteria 13 December 2019. Collection method: clinical testing. Allele origin: germline.

Neuberg Centre For Genomic Medicine, NCGM
Classification: Uncertain significance for Mitochondrial complex III deficiency nuclear type 2. Review status: criteria provided, single submitter. Criteria: ACMG Guidelines, 2015. Collection method: clinical testing. Allele origin: germline. Inheritance: Autosomal recessive inheritance. Affected: yes.
Comment: The missense variant in c.146C>T (p.Pro49Leu) in TTC19 gene has not been reported previously as a pathogenic variant nor as a benign variant, to our knowledge. The p.Pro49Leu variant is reported with the allele frequency of 0.08000% in gnomAD Exome and is novel (not in any individuals) in 1000 Genomes. This variant has been reported to the ClinVar database as Uncertain significance/ Likely benign. The amino acid Pro at position 49 is changed to a Leu changing protein sequence and it might alter its composition and physico-chemical properties. For these reasons, this variant has been classified as uncertain significance.

PreventionGenetics, part of Exact Sciences
Classification: Likely benign for TTC19-related condition. Last evaluated: 2023-08-16. Review status: no assertion criteria provided. Collection method: clinical testing. Allele origin: germline. Not counted in ClinVar's aggregate classification.
Comment: This variant is classified as likely benign based on ACMG/AMP sequence variant interpretation guidelines (Richards et al. 2015 PMID: 25741868, with internal and published modifications).

Mayo Clinic Laboratories, Mayo Clinic
Classification: Uncertain significance. Last evaluated: 2017-08-22. Review status: no assertion criteria provided. Collection method: clinical testing. Allele origin: unknown. Not counted in ClinVar's aggregate classification.